The following is an entry in ClinVar:

NM_001080517.3(SETD5):c.3122C>T (p.Ser1041Phe)

Gene: SETD5 (SET domain containing 5; plus strand). Cytogenetic location: 3p25.3.
Variant type: single nucleotide variant.
Coding change: c.3122C>T on transcript NM_001080517.3 (MANE Select); coding-DNA position 3122, C replaced by T.
Protein change: p.Ser1041Phe; replaces serine 1041 with phenylalanine.
Molecular consequence: missense variant.
Genome position (GRCh38, 1-based): chr3:9,470,856, C>T. VCF-style: chr3-9470856-C-T. GRCh37 (hg19) VCF-style: chr3-9512540-C-T.
Other names: c.2828C>T, p.Ser943Phe (NM_001292043.2, NM_001349451.2); c.3218C>T, p.Ser1073Phe (NM_001437633.1); c.3236C>T, p.Ser1079Phe (NM_001437635.1); c.3179C>T, p.Ser1060Phe (NM_001437643.1); c.3161C>T, p.Ser1054Phe (NM_001437701.1); short protein forms S1041F, S1054F, S1060F, S1073F, S1079F, S943F.
Identifiers: ClinVar variation 4798989 (VCV004798989.1).

ClinVar aggregate classification (germline): Uncertain significance (1 of 4 stars; one submission).

gnomAD v4.1: 4 of 1,611,812 alleles (0.00025%); highest among the groups gnomAD compares: South Asian, 0.0011%; no homozygotes.

Submission:

Labcorp Genetics (formerly Invitae), Labcorp
Classification: Uncertain significance. Last evaluated: 2026-01-21. Review status: criteria provided, single submitter. Criteria: Invitae Variant Classification Sherloc (09022015). Collection method: clinical testing. Allele origin: germline.
Comment: This sequence change replaces serine, which is neutral and polar, with phenylalanine, which is neutral and non-polar, at codon 1041 of the SETD5 protein (p.Ser1041Phe). This variant is not present in population databases (gnomAD no frequency). This variant has not been reported in the literature in individuals affected with SETD5-related conditions. Invitae Evidence Modeling of protein sequence and biophysical properties (such as structural, functional, and spatial information, amino acid conservation, physicochemical variation, residue mobility, and thermodynamic stability) has been performed for this missense variant. However, the output from this modeling did not meet the statistical confidence thresholds required to predict the impact of this variant on SETD5 protein function. In summary, the available evidence is currently insufficient to determine the role of this variant in disease. Therefore, it has been classified as a Variant of Uncertain Significance.